The following is an entry in ClinVar:

ClinVar aggregate classification (germline): Uncertain significance (1 of 4 stars; one submission).

Conditions:
Hereditary cancer-predisposing syndrome. Also called: Neoplastic Syndromes, Hereditary; Tumor predisposition; Hereditary neoplastic syndrome; Hereditary Cancer Syndrome. Identifiers: Orphanet 140162, MedGen C0027672, MeSH D009386, MONDO:0015356.

Submission:

Ambry Genetics
Classification: Uncertain significance for Hereditary cancer-predisposing syndrome. Last evaluated: 2026-07-13. Review status: criteria provided, single submitter. Criteria: Ambry Variant Classification Scheme 2023. Collection method: clinical testing. Allele origin: germline.
Comment: The p.G799E variant (also known as c.2396G>A), located in coding exon 9 of the AXIN2 gene, results from a G to A substitution at nucleotide position 2396. The glycine at codon 799 is replaced by glutamic acid, an amino acid with similar properties. This amino acid position is conserved. In addition, this alteration is predicted to be deleterious by in silico analysis. Based on the available evidence, the clinical significance of this variant remains unclear.

NM_004655.4(AXIN2):c.2396G>A (p.Gly799Glu)

Gene: AXIN2 (axin 2; minus strand). Cytogenetic location: 17q24.1.
Variant type: single nucleotide variant.
Coding change: c.2396G>A on transcript NM_004655.4 (MANE Select); coding-DNA position 2396, G replaced by A.
Protein change: p.Gly799Glu; replaces glycine 799 with glutamic acid.
Molecular consequence: missense variant.
Genome position (GRCh38, 1-based): chr17:65,533,921, C>T on the plus strand (G>A on the coding strand, the complement: AXIN2 is on the minus strand). VCF-style: chr17-65533921-C-T. GRCh37 (hg19) VCF-style: chr17-63530039-C-T.
Other names: c.2201G>A, p.Gly734Glu (NM_001363813.1); short protein forms G734E, G799E.
Identifiers: ClinVar variation 5032660 (VCV005032660.1).
Genomic context (GRCh38, chr17:65,533,921, plus strand): 5'-TTGGTTCTGAGCAAACAAACTGAGAGCAGAAAAAAGCCACAGGACTCTTACCTATAATTT[C>T]CCTTTTTGCTGAGCTGCTCTTTAAAGTGGCCCAGGGTCAAGCTCTGAGCCTTCAGCATCC-3'
Protein context (NP_004646.3, residues 789-809): GHFKEQLSKK[Gly799Glu]NYRYYFKKAS